The following is an entry in ClinVar:

NM_006514.4(SCN10A):c.3087+2T>C

Genes: SCN10A (sodium voltage-gated channel alpha subunit 10; minus strand), LOC110121288 (VISTA enhancer hs2268; plus strand). Cytogenetic location: 3p22.2.
Variant type: single nucleotide variant.
Coding change: c.3087+2T>C on transcript NM_006514.4 (MANE Select); the canonical splice donor site of the intron after coding-DNA position 3087, T replaced by C.
Molecular consequence: splice donor variant.
Genome position (GRCh38, 1-based): chr3:38,726,604, A>G on the plus strand (T>C on the coding strand, the complement: SCN10A is on the minus strand). VCF-style: chr3-38726604-A-G. GRCh37 (hg19) VCF-style: chr3-38768095-A-G.
Other names: c.2793+2T>C (NM_001293307.2); c.3087+2T>C (NM_001293306.2).
Identifiers: ClinVar variation 1035439 (VCV001035439.5), dbSNP rs765046340, ClinGen allele CA2320375.

ClinVar aggregate classification (germline): Uncertain significance (1 of 4 stars; one submission).

Conditions:
Brugada syndrome. Also called: Sudden unexplained nocturnal death syndrome; Sudden Unexplained Nocturnal Death Syndrome (SUNDS); Sudden Unexplained Death Syndrome; Sudden unexpected nocturnal death syndrome. Identifiers: Orphanet 130, MedGen C1142166, MONDO:0015263.

Allele frequency attached by ClinVar (database versions not stated): gnomAD exomes below 0.00001; ExAC 0.00001; gnomAD 0.00001.

Submission:

Labcorp Genetics (formerly Invitae), Labcorp
Classification: Uncertain significance for Brugada syndrome. Last evaluated: 2023-08-17. Review status: criteria provided, single submitter. Criteria: Invitae Variant Classification Sherloc (09022015). Collection method: clinical testing. Allele origin: germline.
Comment: Disruption of this splice site has been observed in individual(s) with Brugada syndrome (PMID: 26220970, 31292628). In summary, the available evidence is currently insufficient to determine the role of this variant in disease. Therefore, it has been classified as a Variant of Uncertain Significance. Algorithms developed to predict the effect of sequence changes on RNA splicing suggest that this variant may disrupt the consensus splice site. ClinVar contains an entry for this variant (Variation ID: 1035439). This variant is also known as 38768095A>G. The frequency data for this variant in the population databases is considered unreliable, as metrics indicate poor data quality at this position in the gnomAD database. This sequence change affects a donor splice site in intron 16 of the SCN10A gene. It is expected to disrupt RNA splicing. Variants that disrupt the donor or acceptor splice site typically lead to a loss of protein function (PMID: 16199547), however the current clinical and genetic evidence is not sufficient to establish whether loss-of-function variants in SCN10A cause disease.

Literature cited by the submitters: PubMed 26220970; PubMed 31292628; PubMed 16199547.